The following is an entry in ClinVar:

ClinVar aggregate classification (germline): Uncertain significance (1 of 4 stars; one submission).

Conditions:
Fanconi anemia (FA). Also called: Fanconi's anemia. Identifiers: Orphanet 84, MedGen C0015625, MeSH D005199, MONDO:0019391.

Submission:

Labcorp Genetics (formerly Invitae), Labcorp
Classification: Uncertain significance for Fanconi anemia. Last evaluated: 2022-06-19. Review status: criteria provided, single submitter. Criteria: Invitae Variant Classification Sherloc (09022015). Collection method: clinical testing. Allele origin: germline.
Comment: This sequence change replaces glycine, which is neutral and non-polar, with cysteine, which is neutral and slightly polar, at codon 972 of the FANCA protein (p.Gly972Cys). This variant is not present in population databases (gnomAD no frequency). This variant has not been reported in the literature in individuals affected with FANCA-related conditions. Advanced modeling of protein sequence and biophysical properties (such as structural, functional, and spatial information, amino acid conservation, physicochemical variation, residue mobility, and thermodynamic stability) performed at Invitae indicates that this missense variant is expected to disrupt FANCA protein function. In summary, the available evidence is currently insufficient to determine the role of this variant in disease. Therefore, it has been classified as a Variant of Uncertain Significance.

NM_000135.4(FANCA):c.2914G>T (p.Gly972Cys)

Gene: FANCA (FA complementation group A; minus strand). Cytogenetic location: 16q24.3.
Variant type: single nucleotide variant.
Coding change: c.2914G>T on transcript NM_000135.4 (MANE Select); coding-DNA position 2914, G replaced by T.
Protein change: p.Gly972Cys; replaces glycine 972 with cysteine.
Molecular consequence: missense variant.
Genome position (GRCh38, 1-based): chr16:89,758,644, C>A on the plus strand (G>T on the coding strand, the complement: FANCA is on the minus strand). VCF-style: chr16-89758644-C-A. GRCh37 (hg19) VCF-style: chr16-89825052-C-A.
Other names: c.2914G>T, p.Gly972Cys (NM_001286167.3); short protein forms G972C.
Identifiers: ClinVar variation 2008543 (VCV002008543.1), dbSNP rs764155334, ClinGen allele CA397431315.